The following is an entry in ClinVar:

NM_004329.3(BMPR1A):c.676-18T>C

Gene: BMPR1A (bone morphogenetic protein receptor type 1A; plus strand). Cytogenetic location: 10q23.2.
Variant type: single nucleotide variant.
Coding change: c.676-18T>C on transcript NM_004329.3 (MANE Select); 18 bases into the intron before coding-DNA position 676, T replaced by C.
Molecular consequence: intron variant.
Genome position (GRCh38, 1-based): chr10:86,917,116, T>C. VCF-style: chr10-86917116-T-C. GRCh37 (hg19) VCF-style: chr10-88676873-T-C.
Identifiers: ClinVar variation 2141193 (VCV002141193.5), dbSNP rs2539602155, ClinGen allele CA2580082093.

ClinVar aggregate classification (germline): Likely benign. Review status: criteria provided, multiple submitters, no conflicts (2 of 4 stars). 2 submissions from 2 submitters: Likely benign (2). Last evaluated 2025-05-11.

Conditions:
Juvenile polyposis syndrome (JPS). Identifiers: Orphanet 2929, MedGen C0345893, MONDO:0017380, OMIM 174900.

Submissions (2):

Labcorp Genetics (formerly Invitae), Labcorp
Classification: Likely benign for Juvenile polyposis syndrome. Last evaluated: 2025-05-11. Review status: criteria provided, single submitter. Criteria: Invitae Variant Classification Sherloc (09022015). Collection method: clinical testing. Allele origin: germline.

Myriad Genetics, Inc.
Classification: Likely benign for Juvenile polyposis syndrome. Last evaluated: 2024-08-02. Review status: criteria provided, single submitter. Criteria: Myriad Autosomal Dominant, Autosomal Recessive and X-Linked Classification Criteria (2023). Collection method: clinical testing. Allele origin: unknown.
Comment: This variant is considered likely benign. This variant is intronic and is not expected to impact mRNA splicing.